The following is an entry in ClinVar:

ClinVar aggregate classification (germline): Uncertain significance (1 of 4 stars; one submission).

Conditions:
Fructose-biphosphatase deficiency (FBP1D). Also called: Fructose 1,6 Bisphosphatase Deficiency; Fructose-1,6-Diphosphatase Deficiency; Fructose-1,6-Bisphosphatase 1 Deficiency. Identifiers: Orphanet 348, MedGen C0016756, MONDO:0009251, OMIM 229700.

Allele frequency attached by ClinVar (database versions not stated): ExAC 0.00002; gnomAD exomes 0.00001; TOPMed 0.00003; 1000 Genomes Project 30x 0.00016; 1000 Genomes Project 0.00020; gnomAD 0.00004.

Submission:

Labcorp Genetics (formerly Invitae), Labcorp
Classification: Uncertain significance for Fructose-biphosphatase deficiency. Last evaluated: 2021-08-28. Review status: criteria provided, single submitter. Criteria: Invitae Variant Classification Sherloc (09022015). Collection method: clinical testing. Allele origin: germline.
Comment: This sequence change replaces alanine with threonine at codon 267 of the FBP1 protein (p.Ala267Thr). The alanine residue is moderately conserved and there is a small physicochemical difference between alanine and threonine. This variant is present in population databases (rs576352790, ExAC 0.01%). This variant has not been reported in the literature in individuals affected with FBP1-related conditions. Algorithms developed to predict the effect of missense changes on protein structure and function (SIFT, PolyPhen-2, Align-GVGD) all suggest that this variant is likely to be tolerated. In summary, the available evidence is currently insufficient to determine the role of this variant in disease. Therefore, it has been classified as a Variant of Uncertain Significance.

NM_000507.4(FBP1):c.799G>A (p.Ala267Thr)

Gene: FBP1 (fructose-bisphosphatase 1; minus strand). Cytogenetic location: 9q22.32.
Variant type: single nucleotide variant.
Coding change: c.799G>A on transcript NM_000507.4 (MANE Select); coding-DNA position 799, G replaced by A.
Protein change: p.Ala267Thr; replaces alanine 267 with threonine.
Molecular consequence: missense variant.
Genome position (GRCh38, 1-based): chr9:94,605,483, C>T on the plus strand (G>A on the coding strand, the complement: FBP1 is on the minus strand). VCF-style: chr9-94605483-C-T. GRCh37 (hg19) VCF-style: chr9-97367765-C-T.
Other names: c.799G>A, p.Ala267Thr (NM_001127628.2); short protein forms A267T.
Identifiers: ClinVar variation 1004332 (VCV001004332.6), dbSNP rs576352790, ClinGen allele CA5136124.